The following is an entry in ClinVar:

NM_007118.4(TRIO):c.3242C>T (p.Ala1081Val)

Gene: TRIO (trio Rho guanine nucleotide exchange factor; plus strand). Cytogenetic location: 5p15.2.
Variant type: single nucleotide variant.
Coding change: c.3242C>T on transcript NM_007118.4 (MANE Select); coding-DNA position 3242, C replaced by T.
Protein change: p.Ala1081Val; replaces alanine 1081 with valine.
Molecular consequence: missense variant. On other transcripts: non-coding transcript variant (1).
Genome position (GRCh38, 1-based): chr5:14,374,254, C>T. VCF-style: chr5-14374254-C-T. GRCh37 (hg19) VCF-style: chr5-14374363-C-T.
Other names: short protein forms A1081V.
Identifiers: ClinVar variation 2572548 (VCV002572548.1), dbSNP rs2532735058, ClinGen allele CA359218488.

ClinVar aggregate classification (germline): Uncertain significance (1 of 4 stars; one submission).

Conditions:
Intellectual developmental disorder, autosomal dominant 63, with macrocephaly. Also called: MENTAL RETARDATION, AUTOSOMAL DOMINANT 63, WITH MACROCEPHALY. Identifiers: MedGen C5394205, MONDO:0032939, OMIM 618825.

Submission:

3billion
Classification: Uncertain significance for Intellectual developmental disorder, autosomal dominant 63, with macrocephaly. Review status: criteria provided, single submitter. Criteria: ACMG Guidelines, 2015. Collection method: clinical testing. Allele origin: unknown. Affected: yes. Observed: 1 heterozygote.
Comment: The variant is not observed in the gnomAD v2.1.1 dataset. Missense changes are a common disease-causing mechanism. Therefore, this variant is classified as Uncertain significance according to the recommendation of ACMG/AMP guideline.